The following is an entry in ClinVar:

NM_000264.5(PTCH1):c.2558A>C (p.Gln853Pro)

Genes: PTCH1 (patched 1; minus strand), LOC100507346 (uncharacterized LOC100507346; plus strand). Cytogenetic location: 9q22.32.
Variant type: single nucleotide variant.
Coding change: c.2558A>C on transcript NM_000264.5 (MANE Select); coding-DNA position 2558, A replaced by C.
Protein change: p.Gln853Pro; replaces glutamine 853 with proline.
Molecular consequence: missense variant. On other transcripts: non-coding transcript variant (2).
Genome position (GRCh38, 1-based): chr9:95,467,118, T>G on the plus strand (A>C on the coding strand, the complement: PTCH1 is on the minus strand). VCF-style: chr9-95467118-T-G. GRCh37 (hg19) VCF-style: chr9-98229400-T-G.
Other names: c.2360A>C, p.Gln787Pro (NM_001083602.3); c.2555A>C, p.Gln852Pro (NM_001083603.3); c.2105A>C, p.Gln702Pro (NM_001083604.3, NM_001083605.3, NM_001083606.3 and 1 more transcripts); c.2402A>C, p.Gln801Pro (NM_001354918.2); short protein forms Q787P, Q853P, Q702P, Q801P, Q852P.
Identifiers: ClinVar variation 428818 (VCV000428818.16), dbSNP rs587778628, ClinGen allele CA374113663.

ClinVar aggregate classification (germline): Conflicting classifications of pathogenicity. Review status: criteria provided, conflicting classifications (1 of 4 stars). 2 submissions from 2 submitters: Likely pathogenic (1); Uncertain significance (1). Last evaluated 2025-07-10.

Conditions:
Gorlin syndrome. Also called: Nevoid Basal Cell Carcinoma Syndrome; Basal cell nevus syndrome. Identifiers: Orphanet 377, MedGen C0004779, MONDO:0007187.
Hereditary cancer-predisposing syndrome. Also called: Hereditary neoplastic syndrome; Tumor predisposition; Neoplastic Syndromes, Hereditary; Hereditary Cancer Syndrome. Identifiers: Orphanet 140162, MedGen C0027672, MeSH D009386, MONDO:0015356.

Submissions (2):

Ambry Genetics
Classification: Likely pathogenic for Hereditary cancer-predisposing syndrome. Last evaluated: 2025-07-10. Review status: criteria provided, single submitter. Criteria: Ambry Variant Classification Scheme 2023. Collection method: clinical testing. Allele origin: germline.
Comment: The p.Q853P variant (also known as c.2558A>C), located in coding exon 15 of the PTCH1 gene, results from an A to C substitution at nucleotide position 2558. The glutamine at codon 853 is replaced by proline, an amino acid with similar properties. This variant was reported in individuals with features consistent with PTCH1-related nevoid basal cell carcinoma syndrome (Ambry internal data, external communication); in at least one individual, it was determined to be de novo (external communication). This amino acid position is highly conserved in available vertebrate species. In addition, this alteration is predicted to be deleterious by in silico analysis. This variant is considered to be rare based on population cohorts in the Genome Aggregation Database (gnomAD). Based on the majority of available evidence to date, this variant is likely to be pathogenic.

Labcorp Genetics (formerly Invitae), Labcorp
Classification: Uncertain significance for Gorlin syndrome. Last evaluated: 2023-12-01. Review status: criteria provided, single submitter. Criteria: Invitae Variant Classification Sherloc (09022015). Collection method: clinical testing. Allele origin: germline.
Comment: This sequence change replaces glutamine, which is neutral and polar, with proline, which is neutral and non-polar, at codon 853 of the PTCH1 protein (p.Gln853Pro). This variant is not present in population databases (gnomAD no frequency). This missense change has been observed in individual(s) with clinical features of nevoid basal cell carcinoma syndrome (Invitae). It has also been observed to segregate with disease in related individuals. ClinVar contains an entry for this variant (Variation ID: 428818). An algorithm developed to predict the effect of missense changes on protein structure and function (PolyPhen-2) suggests that this variant is likely to be disruptive. In summary, the available evidence is currently insufficient to determine the role of this variant in disease. Therefore, it has been classified as a Variant of Uncertain Significance.